The following is an entry in ClinVar:

NM_032043.3(BRIP1):c.245T>G (p.Val82Gly)

Gene: BRIP1 (BRCA1 interacting DNA helicase 1; minus strand). Cytogenetic location: 17q23.2.
Variant type: single nucleotide variant.
Coding change: c.245T>G on transcript NM_032043.3 (MANE Select); coding-DNA position 245, T replaced by G.
Protein change: p.Val82Gly; replaces valine 82 with glycine.
Molecular consequence: missense variant.
Genome position (GRCh38, 1-based): chr17:61,857,192, A>C on the plus strand (T>G on the coding strand, the complement: BRIP1 is on the minus strand). VCF-style: chr17-61857192-A-C. GRCh37 (hg19) VCF-style: chr17-59934553-A-C.
Other names: short protein forms V82G.
Identifiers: ClinVar variation 1999629 (VCV001999629.5), dbSNP rs876659594, ClinGen allele CA400485543.

ClinVar aggregate classification (germline): Uncertain significance. Review status: criteria provided, multiple submitters, no conflicts (2 of 4 stars). 2 submissions from 2 submitters: Uncertain significance (2). Last evaluated 2024-03-19.

Conditions:
Familial cancer of breast. Also called: BREAST CANCER, FAMILIAL; Hereditary breast cancer; hereditary breast carcinoma. Identifiers: Orphanet 227535, MedGen C0346153, MONDO:0016419, OMIM 114480. Disease mechanism: loss of function.
Fanconi anemia complementation group J. Also called: BRIP1-Related Fanconi Anemia. Identifiers: Orphanet 84, MedGen C1836860, MONDO:0012187, OMIM 609054.

Submissions (2):

Quest Diagnostics Nichols Institute San Juan Capistrano
Classification: Uncertain significance. Last evaluated: 2024-03-19. Review status: criteria provided, single submitter. Criteria: Quest Diagnostics criteria. Collection method: clinical testing. Allele origin: unknown.
Comment: The BRIP1 c.245T>G (p.Val82Gly) variant has not been reported in individuals with BRIP1-related conditions in the published literature. It also has not been reported in large, multi-ethnic general populations (Genome Aggregation Database). Analysis of this variant using bioinformatics tools for the prediction of the effect of amino acid changes on protein structure and function yielded predictions that this variant is benign. Based on the available information, we are unable to determine the clinical significance of this variant.

Labcorp Genetics (formerly Invitae), Labcorp
Classification: Uncertain significance for Familial cancer of breast; Fanconi anemia complementation group J. Last evaluated: 2022-05-27. Review status: criteria provided, single submitter. Criteria: Invitae Variant Classification Sherloc (09022015). Collection method: clinical testing. Allele origin: germline.
Comment: This sequence change replaces valine, which is neutral and non-polar, with glycine, which is neutral and non-polar, at codon 82 of the BRIP1 protein (p.Val82Gly). This variant is not present in population databases (gnomAD no frequency). This variant has not been reported in the literature in individuals affected with BRIP1-related conditions. Algorithms developed to predict the effect of missense changes on protein structure and function (SIFT, PolyPhen-2, Align-GVGD) all suggest that this variant is likely to be tolerated. In summary, the available evidence is currently insufficient to determine the role of this variant in disease. Therefore, it has been classified as a Variant of Uncertain Significance.